The following is an entry in ClinVar:

ClinVar aggregate classification (germline): Conflicting classifications of pathogenicity. Review status: criteria provided, conflicting classifications (1 of 4 stars). 3 submissions from 3 submitters: Uncertain significance (1); Likely benign (1). 1 of the submissions does not count toward it. Last evaluated 2026-01-12.

Conditions:
Congenital myasthenic syndrome 4C (CMS4C). Also called: Myasthenic syndrome, congenital, associated with acetylcholine receptor deficiency. Identifiers: Orphanet 590, MedGen C1837091, MONDO:0012157, OMIM 608931.
Congenital myasthenic syndrome 12 (CMS12). Also called: MYASTHENIC SYNDROME, CONGENITAL, WITH TUBULAR AGGREGATES 1; Myasthenia, congenital, 12, with tubular aggregates. Identifiers: Orphanet 353327, Orphanet 590, MedGen C3552335, MONDO:0012518, OMIM 610542.
GFPT1-related disorder. Also called: GFPT1-related condition.

Allele frequency attached by ClinVar (database versions not stated): gnomAD 0.00002; gnomAD exomes 0.00002 and 0.00004; ExAC 0.00003; TOPMed 0.00004.
gnomAD v4.1: 30 of 1,613,774 alleles (0.0019%); highest among the groups gnomAD compares: Middle Eastern, 0.033%; no homozygotes.

Submissions (3):

Labcorp Genetics (formerly Invitae), Labcorp
Classification: Likely benign for Congenital myasthenic syndrome 12. Last evaluated: 2026-01-12. Review status: criteria provided, single submitter. Criteria: Invitae Variant Classification Sherloc (09022015). Collection method: clinical testing. Allele origin: germline.

Fulgent Genetics
Classification: Uncertain significance for Congenital myasthenic syndrome 4C; Congenital myasthenic syndrome 12. Last evaluated: 2022-05-03. Review status: criteria provided, single submitter. Criteria: ACMG Guidelines, 2015. Collection method: clinical testing. Allele origin: unknown.

PreventionGenetics, part of Exact Sciences
Classification: Likely benign for GFPT1-related condition. Last evaluated: 2019-05-30. Review status: no assertion criteria provided. Collection method: clinical testing. Allele origin: germline. Not counted in ClinVar's aggregate classification.
Comment: This variant is classified as likely benign based on ACMG/AMP sequence variant interpretation guidelines (Richards et al. 2015 PMID: 25741868, with internal and published modifications).

NM_001244710.2(GFPT1):c.1878A>G (p.Gln626=)

Gene: GFPT1 (glutamine--fructose-6-phosphate transaminase 1; minus strand). Cytogenetic location: 2p13.3.
Variant type: single nucleotide variant.
Coding change: c.1878A>G on transcript NM_001244710.2 (MANE Select); coding-DNA position 1878, A replaced by G.
Protein change: p.Gln626=; no amino-acid change (glutamine 626 retained).
Molecular consequence: synonymous variant.
Genome position (GRCh38, 1-based): chr2:69,328,286, T>C on the plus strand (A>G on the coding strand, the complement: GFPT1 is on the minus strand). VCF-style: chr2-69328286-T-C. GRCh37 (hg19) VCF-style: chr2-69555418-T-C.
Other names: c.1824A>G, p.Gln608= (NM_002056.4); c.1878A>G (NM_001244710.1).
Identifiers: ClinVar variation 1358415 (VCV001358415.9), dbSNP rs200986371, ClinGen allele CA1693559.